The following is an entry in ClinVar:

ClinVar aggregate classification (germline): Pathogenic (1 of 4 stars; one submission).

Conditions:
Retinoblastoma (RB1). Also called: RETINOBLASTOMA, SOMATIC. Identifiers: Orphanet 790, MedGen C0035335, MeSH D012175, MONDO:0008380, OMIM 180200, HP:0009919. Disease mechanism: loss of function. Inheritance: Both sporadic and heritable forms are tested..

Submission:

Genetic Diagnostic Laboratory, University of Pennsylvania School of Medicine
Classification: Pathogenic for Retinoblastoma. Last evaluated: 2024-05-20. Review status: criteria provided, single submitter. Criteria: ACMG Guidelines, 2015. Collection method: clinical testing. Allele origin: germline. Affected: yes. Observed: 1 variant allele.
Comment: Case and Pedigree Information: BILATERAL CASES:0, UNILATERAL CASES:1, TOTAL CASES:1, PEDIGREES:1. ACMG Codes Applied:PVS1, PM2

NM_000321.3(RB1):c.462_464dup (p.Tyr155Ter)

Gene: RB1 (RB transcriptional corepressor 1; plus strand). Cytogenetic location: 13q14.2.
Variant type: Duplication.
Coding change: c.462_464dup on transcript NM_000321.3 (MANE Select); coding-DNA positions 462 to 464, 3 bases duplicated (GTA; older notation c.462_464dupGTA).
Protein change: p.Tyr155Ter; replaces tyrosine 155 with a stop codon.
Molecular consequence: nonsense.
Genome position (GRCh38, 1-based): chr13:48,345,161-48,345,163, GTA duplicated; duplicating any 3 consecutive bases within chr13:48,345,160-48,345,163 gives the same sequence; the c. name uses the placement nearest the transcript's 3' end. VCF-style (leftmost placement, unchanged base first): chr13-48345159-A-AAGT. GRCh37 (hg19) VCF-style: chr13-48919295-A-AAGT.
Other names: c.462_464dup, p.Tyr155Ter (NM_001407165.1, NM_001407166.1); short protein forms Y155*.
Identifiers: ClinVar variation 3237128 (VCV003237128.1), dbSNP rs2542159446.